The following is an entry in ClinVar:

NM_001375567.1(FOCAD):c.1394G>C (p.Gly465Ala)

Gene: FOCAD (focadhesin; plus strand). Cytogenetic location: 9p21.3.
Variant type: single nucleotide variant.
Coding change: c.1394G>C on transcript NM_001375567.1 (MANE Select); coding-DNA position 1394, G replaced by C.
Protein change: p.Gly465Ala; replaces glycine 465 with alanine.
Molecular consequence: missense variant.
Genome position (GRCh38, 1-based): chr9:20,789,547, G>C. VCF-style: chr9-20789547-G-C. GRCh37 (hg19) VCF-style: chr9-20789546-G-C.
Other names: c.1394G>C, p.Gly465Ala (NM_001375568.1, NM_017794.5); c.1394G>C (NM_017794.4); c.1289G>C, p.Gly430Ala (NM_001375570.1); short protein forms G430A, G465A.
Identifiers: ClinVar variation 2744206 (VCV002744206.5), dbSNP rs78653020, ClinGen allele CA5006692.

ClinVar aggregate classification (germline): Benign. Review status: criteria provided, single submitter (1 of 4 stars). 2 submissions from 2 submitters: Benign (1). 1 of the submissions does not count toward it. Last evaluated 2025-10-18.

Conditions:
FOCAD-related disorder. Also called: FOCAD-related condition.

Allele frequency attached by ClinVar (database versions not stated): TOPMed 0.00064; ExAC 0.00120; 1000 Genomes Project 30x 0.00203; 1000 Genomes Project 0.00240; gnomAD 0.00048.
gnomAD v4.1: 766 of 1,613,924 alleles (0.047%); highest among the groups gnomAD compares: East Asian, 1.6%; 7 homozygotes.

Submissions (2):

Labcorp Genetics (formerly Invitae), Labcorp
Classification: Benign. Last evaluated: 2025-10-18. Review status: criteria provided, single submitter. Criteria: Invitae Variant Classification Sherloc (09022015). Collection method: clinical testing. Allele origin: germline.

PreventionGenetics, part of Exact Sciences
Classification: Benign for FOCAD-related condition. Last evaluated: 2019-05-22. Review status: no assertion criteria provided. Collection method: clinical testing. Allele origin: germline. Not counted in ClinVar's aggregate classification.
Comment: This variant is classified as benign based on ACMG/AMP sequence variant interpretation guidelines (Richards et al. 2015 PMID: 25741868, with internal and published modifications).